The following is an entry in ClinVar:

NM_001211.6(BUB1B):c.2676C>G (p.Asn892Lys)

Gene: BUB1B (BUB1 mitotic checkpoint serine/threonine kinase B; plus strand). Cytogenetic location: 15q15.1.
Variant type: single nucleotide variant.
Coding change: c.2676C>G on transcript NM_001211.6 (MANE Select); coding-DNA position 2676, C replaced by G.
Protein change: p.Asn892Lys; replaces asparagine 892 with lysine.
Molecular consequence: missense variant.
Genome position (GRCh38, 1-based): chr15:40,213,472, C>G. VCF-style: chr15-40213472-C-G. GRCh37 (hg19) VCF-style: chr15-40505673-C-G.
Other names: short protein forms N892K.
Identifiers: ClinVar variation 3262191 (VCV003262191.1).

ClinVar aggregate classification (germline): Uncertain significance (1 of 4 stars; one submission).

Conditions:
Inborn genetic diseases. Identifiers: MedGen C0950123, MeSH D030342.

Submission:

Ambry Genetics
Classification: Uncertain significance for Inborn genetic diseases. Last evaluated: 2024-05-01. Review status: criteria provided, single submitter. Criteria: Ambry Variant Classification Scheme 2023. Collection method: clinical testing. Allele origin: germline.
Comment: The p.N892K variant (also known as c.2676C>G), located in coding exon 20 of the BUB1B gene, results from a C to G substitution at nucleotide position 2676. The asparagine at codon 892 is replaced by lysine, an amino acid with similar properties. This amino acid position is conserved. In addition, this alteration is predicted to be tolerated by in silico analysis. Based on the available evidence, the clinical significance of this variant remains unclear.